The following is an entry in ClinVar:

NM_006953.4(UPK3A):c.460G>C (p.Ala154Pro)

Gene: UPK3A (uroplakin 3A; plus strand). Cytogenetic location: 22q13.31.
Variant type: single nucleotide variant.
Coding change: c.460G>C on transcript NM_006953.4 (MANE Select); coding-DNA position 460, G replaced by C.
Protein change: p.Ala154Pro; replaces alanine 154 with proline.
Molecular consequence: missense variant. On other transcripts: intron variant (1).
Genome position (GRCh38, 1-based): chr22:45,287,423, G>C. VCF-style: chr22-45287423-G-C. GRCh37 (hg19) VCF-style: chr22-45683304-G-C.
Other names: c.208+1327G>C (NM_001167574.2); short protein forms A154P.
Identifiers: ClinVar variation 341977 (VCV000341977.9), dbSNP rs1057353, ClinGen allele CA10284380.
Genomic context (GRCh38, chr22:45,287,423, plus strand): 5'-GTCAGGGTGGGTGCCAACGGGACCTGCCTGTGGGATCCCAACTTCCAGGGCCTCTGTAAC[G>C]CACCCCTGTCGGCAGCCACGGAGTACAGGTGGGTGTAAACAAACCACTACAGGAGAGCCG-3'
Protein context (NP_008884.1, residues 144-164): WDPNFQGLCN[Ala154Pro]PLSAATEYRF

ClinVar aggregate classification (germline): Benign. Review status: criteria provided, multiple submitters, no conflicts (2 of 4 stars). 5 submissions from 5 submitters: Benign (4). 1 of the submissions does not count toward it. Last evaluated 2024-11-28.

Conditions:
Renal hypodysplasia/aplasia 1 (RHDA1). Also called: RENAL APLASIA; HEREDITARY RENAL APLASIA. Identifiers: Orphanet 411709, MedGen C1619700, MONDO:0024519, OMIM 191830.

Allele frequency attached by ClinVar (database versions not stated): gnomAD exomes 0.76977 and 0.77494; 1000 Genomes Project 0.77436; 1000 Genomes Project 30x 0.77670; ExAC 0.77882; gnomAD 0.78298 and 0.78464; ESP Exome Variant Server 0.78914; TOPMed 0.79324.
gnomAD v4.1: 1,237,972 of 1,605,230 alleles (77%); highest among the groups gnomAD compares: Admixed American, 83%; 478,033 homozygotes.

Submissions (5):

Blueprint Genetics
Classification: Benign. Last evaluated: 2024-11-28. Review status: criteria provided, single submitter. Criteria: ACMG Guidelines, 2015. Collection method: clinical testing. Allele origin: germline.

Illumina Laboratory Services, Illumina
Classification: Benign for Renal hypodysplasia/aplasia 1. Last evaluated: 2018-01-12. Review status: criteria provided, single submitter. Criteria: ICSL Variant Classification Criteria 13 December 2019. Collection method: clinical testing. Allele origin: germline.
Comment: This variant was observed in the ICSL laboratory as part of a predisposition screen in an ostensibly healthy population. It had not been previously curated by ICSL or reported in the Human Gene Mutation Database (HGMD: prior to June 1st, 2018), and was therefore a candidate for classification through an automated scoring system. Utilizing variant allele frequency, disease prevalence and penetrance estimates, and inheritance mode, an automated score was calculated to assess if this variant is too frequent to cause the disease. Based on the score and internal cut-off values, a variant classified as benign is not then subjected to further curation. The score for this variant resulted in a classification of benign for this disease.

Genome Diagnostics Laboratory, University Medical Center Utrecht
Classification: Benign for Renal hypodysplasia/aplasia 1. Last evaluated: 2014-10-09. Review status: criteria provided, single submitter. Criteria: ACGS Guidelines, 2013. Collection method: clinical testing. Allele origin: germline. Affected: yes. Study: VKGL Data-share Consensus.

Breakthrough Genomics
Classification: Benign. Review status: criteria provided, single submitter. Criteria: ACMG Guidelines, 2015. Collection method: not provided. Allele origin: germline. Inheritance: Unknown mechanism. Affected: yes.

Diagnostic Laboratory, Department of Genetics, University Medical Center Groningen
Classification: Benign for Renal hypodysplasia/aplasia 1. Review status: no assertion criteria provided. Collection method: clinical testing. Allele origin: germline. Affected: yes. Study: VKGL Data-share Consensus. Not counted in ClinVar's aggregate classification.